The following is an entry in ClinVar:

ClinVar aggregate classification (germline): Uncertain significance. Review status: criteria provided, multiple submitters, no conflicts (2 of 4 stars). 6 submissions from 6 submitters: Uncertain significance (5). 1 of the submissions does not count toward it. Last evaluated 2025-08-31.

Conditions:
Hurler syndrome. Also called: Gargoylism, Hurler Syndrome; MUCOPOLYSACCHARIDOSIS TYPE IH; Severe MPS I (Hurler Syndrome). Identifiers: Orphanet 93473, MedGen C0086795, MONDO:0011758, OMIM 607014.
Mucopolysaccharidosis type 1. Also called: IDUA deficiency; MPS I; Mucopolysaccharidosis Type I. Identifiers: Orphanet 579, MedGen C0023786, MONDO:0001586.
Mucopolysaccharidosis, MPS-I-S. Also called: Scheie Syndrome; MUCOPOLYSACCHARIDOSIS TYPE IS; MPS V; MUCOPOLYSACCHARIDOSIS TYPE V. Identifiers: Orphanet 93474, MedGen C0026708, MONDO:0011760, OMIM 607016.
Mucopolysaccharidosis, MPS-I-H/S. Also called: Mucopolysaccharidosis type IH/S. Identifiers: Orphanet 93476, MedGen C0086431, MONDO:0011759, OMIM 607015.
Inborn genetic diseases. Identifiers: MedGen C0950123, MeSH D030342.

Allele frequency attached by ClinVar (database versions not stated): gnomAD exomes below 0.00001; TOPMed 0.00001; ESP Exome Variant Server 0.00008.

Submissions (6):

Labcorp Genetics (formerly Invitae), Labcorp
Classification: Uncertain significance for Mucopolysaccharidosis type 1. Last evaluated: 2025-08-31. Review status: criteria provided, single submitter. Criteria: Invitae Variant Classification Sherloc (09022015). Collection method: clinical testing. Allele origin: germline.
Comment: This sequence change replaces proline, which is neutral and non-polar, with arginine, which is basic and polar, at codon 493 of the IDUA protein (p.Pro493Arg). This variant is present in population databases (rs375819348, gnomAD 0.007%). This variant has not been reported in the literature in individuals affected with IDUA-related conditions. ClinVar contains an entry for this variant (Variation ID: 851683). Invitae Evidence Modeling of protein sequence and biophysical properties (such as structural, functional, and spatial information, amino acid conservation, physicochemical variation, residue mobility, and thermodynamic stability) indicates that this missense variant is expected to disrupt IDUA protein function with a positive predictive value of 80%. In summary, the available evidence is currently insufficient to determine the role of this variant in disease. Therefore, it has been classified as a Variant of Uncertain Significance.

Revvity Omics, Revvity
Classification: Uncertain significance. Last evaluated: 2024-05-30. Review status: criteria provided, single submitter. Criteria: ACMG Guidelines, 2015. Collection method: clinical testing. Allele origin: germline.

Genomic Medicine Center of Excellence, King Faisal Specialist Hospital and Research Centre
Classification: Uncertain significance for Hurler syndrome. Last evaluated: 2024-04-04. Review status: criteria provided, single submitter. Criteria: ACMG Guidelines, 2015. Collection method: clinical testing. Allele origin: germline.

Ambry Genetics
Classification: Uncertain significance for Inborn genetic diseases. Last evaluated: 2022-09-08. Review status: criteria provided, single submitter. Criteria: Ambry Variant Classification Scheme 2023. Collection method: clinical testing. Allele origin: germline.

Fulgent Genetics
Classification: Uncertain significance for Hurler syndrome; Mucopolysaccharidosis, MPS-I-H/S; Mucopolysaccharidosis, MPS-I-S. Last evaluated: 2021-08-06. Review status: criteria provided, single submitter. Criteria: ACMG Guidelines, 2015. Collection method: clinical testing. Allele origin: unknown.

Natera, Inc.
Classification: Uncertain significance for Mucopolysaccharidosis type I. Last evaluated: 2020-09-16. Review status: no assertion criteria provided. Collection method: clinical testing. Allele origin: germline. Not counted in ClinVar's aggregate classification.

Literature cited by the submitters: PubMed 33073008 (cited by Ambry Genetics).

NM_000203.5(IDUA):c.1478C>G (p.Pro493Arg)

Gene: IDUA (alpha-L-iduronidase; plus strand). Cytogenetic location: 4p16.3.
Variant type: single nucleotide variant.
Coding change: c.1478C>G on transcript NM_000203.5 (MANE Select); coding-DNA position 1478, C replaced by G.
Protein change: p.Pro493Arg; replaces proline 493 with arginine.
Molecular consequence: missense variant. On other transcripts: non-coding transcript variant (1).
Genome position (GRCh38, 1-based): chr4:1,003,111, C>G. VCF-style: chr4-1003111-C-G. GRCh37 (hg19) VCF-style: chr4-996899-C-G.
Other names: c.1478C>G (NM_000203.3); c.1082C>G, p.Pro361Arg (NM_001363576.1); short protein forms P361R, P493R.
Identifiers: ClinVar variation 851683 (VCV000851683.11), dbSNP rs375819348, ClinGen allele CA91170386.